The following is an entry in ClinVar:

ClinVar aggregate classification (germline): Pathogenic (1 of 4 stars; one submission).

Conditions:
Hereditary angioedema type 1 (HAE1). Identifiers: Orphanet 100050, Orphanet 100051, Orphanet 91378, MedGen C2717906, MONDO:0015053, OMIM 106100.

Submission:

Department of Immunology and Histocompatibility, University of Thessaly
Classification: Pathogenic for Hereditary angioedema type 1. Review status: criteria provided, single submitter. Criteria: ACMG Guidelines, 2015. Collection method: clinical testing. Allele origin: germline. Affected: yes. Observed: 2 variant alleles.
Comment: The c.508delT (p.Ser170Profs*41) variant has been previously reported in association with hereditary angioedema in the literature (Speletas et al., 2015, Loules et al., 2018). It was detected by our laboratory in 2 female patients with C1-INH HAE Type I. It has never been detected in approximately 120000 individuals of the Exome Aggregation Consortium (ExAC), indicating that it is not a common variant. Three different variants, changing the same residue, c.508T>C (p.Ser170Ter), c.508T>A (p.Ser170Pro) and c.509C>T (p.Ser170Phe) have been previously reported in association with C1-INH HAE in the literature (Pappalardo et al., 2000, Loules et al., 2018, Faiyaz-Ul-Haque, 2009). Taking all the above into account and according to ACMG Guidelines (Criteria: PVS1, PS1, PM2, PM4, PP4) the variant is considered pathogenic.

Literature cited by the submitters: PubMed 29753808.

NM_000062.3(SERPING1):c.508del (p.Ser170fs)

Gene: SERPING1 (serpin family G member 1; plus strand). Cytogenetic location: 11q12.1.
Variant type: Deletion.
Coding change: c.508del on transcript NM_000062.3 (MANE Select); coding-DNA position 508, one base deleted (T; older notation c.508delT).
Protein change: p.Ser170fs; shifts the reading frame from serine 170.
Molecular consequence: frameshift variant.
Genome position (GRCh38, 1-based): chr11:57,600,335, T deleted; the last of 4 consecutive T bases (chr11:57,600,332-57,600,335); deleting any one gives the same sequence. VCF-style (leftmost placement, unchanged base first): chr11-57600331-CT-C. GRCh37 (hg19) VCF-style: chr11-57367804-CT-C.
Other names: c.508del, p.Ser170fs (NM_001032295.2); short protein forms S170fs.
Identifiers: ClinVar variation 690354 (VCV000690354.2), dbSNP rs1590822739, ClinGen allele CA474565627.